The following is an entry in ClinVar:

NM_000036.3(AMPD1):c.548-3_548-2del

Gene: AMPD1 (adenosine monophosphate deaminase 1; minus strand). Cytogenetic location: 1p13.2.
Variant type: Deletion.
Coding change: c.548-3_548-2del on transcript NM_000036.3 (MANE Select); 3 bases into the intron before coding-DNA position 548 through the canonical splice acceptor site of the intron before coding-DNA position 548, 2 bases deleted (AA; older notation c.548-3_548-2delAA).
Molecular consequence: splice acceptor variant.
Genome position (GRCh38, 1-based): chr1:114,680,480-114,680,481, TT deleted on the plus strand (AA on the coding strand, the reverse complement: AMPD1 is on the minus strand); deleting any 2 consecutive bases within chr1:114,680,480-114,680,484 gives the same sequence; the c. name uses the placement nearest the transcript's 3' end. VCF-style (leftmost placement, unchanged base first): chr1-114680479-CTT-C. GRCh37 (hg19) VCF-style: chr1-115223100-CTT-C.
Other names: c.536-3_536-2del (NM_001172626.2).
Identifiers: ClinVar variation 3674630 (VCV003674630.2).

ClinVar aggregate classification (germline): Uncertain significance (1 of 4 stars; one submission).

Conditions:
Muscle AMP deaminase deficiency (MMDD). Also called: ADENOSINE MONOPHOSPHATE DEAMINASE-1 DEFICIENCY, MYOPATHY DUE TO; Myoadenylate deaminase deficiency, myopathy due to; Adenosine monophosphate deaminase 1 deficiency; AMP deaminase 1 deficiency; Adenosine Monophosphate Deaminase 1; AMPD1 DEFICIENCY. Identifiers: Orphanet 45, MedGen C3714933, MONDO:0014220, OMIM 615511.

Submission:

Labcorp Genetics (formerly Invitae), Labcorp
Classification: Uncertain significance for Muscle AMP deaminase deficiency. Last evaluated: 2024-11-06. Review status: criteria provided, single submitter. Criteria: Invitae Variant Classification Sherloc (09022015). Collection method: clinical testing. Allele origin: germline.
Comment: This sequence change falls in intron 5 of the AMPD1 gene. It does not directly change the encoded amino acid sequence of the AMPD1 protein. This variant is present in population databases (rs757800136, gnomAD 0.0008%). This variant has not been reported in the literature in individuals affected with AMPD1-related conditions. Experimental studies and prediction algorithms are not available or were not evaluated, and the effect of this variant on mRNA splicing is currently unknown. In summary, the available evidence is currently insufficient to determine the role of this variant in disease. Therefore, it has been classified as a Variant of Uncertain Significance.